The following is an entry in ClinVar:

ClinVar aggregate classification (germline): Pathogenic/Likely pathogenic. Review status: criteria provided, multiple submitters, no conflicts (2 of 4 stars). 17 submissions from 16 submitters: Pathogenic (9); Likely pathogenic (4). 4 of the submissions do not count toward it. Last evaluated 2026-03-12.

Conditions:
Joubert syndrome 28 (JBTS28). Identifiers: MedGen C4310705, MONDO:0014928, OMIM 617121.
Meckel syndrome, type 1 (MKS1). Also called: MECKEL-GRUBER SYNDROME, TYPE 1. Identifiers: Orphanet 564, MedGen C3714506, MONDO:0009571, OMIM 249000.
Bardet-Biedl syndrome 13 (BBS13). Identifiers: Orphanet 110, MedGen C2673873, MONDO:0014441, OMIM 615990.
MKS1-related disorder. Also called: MKS1-related condition; MKS1-related disorders. Identifiers: MedGen CN239382.
Autosomal recessive MKS1-related disorders.
Joubert syndrome. Also called: Familial aplasia of the vermis; JOUBERT-BOLTSHAUSER SYNDROME. Identifiers: Orphanet 475, MedGen C5979921, MONDO:0018772.
Meckel-Gruber syndrome. Also called: DYSENCEPHALIA SPLANCHNOCYSTICA; GRUBER SYNDROME; Dysencephalia splachnocystica. Identifiers: Orphanet 564, MedGen C0265215, MONDO:0018921.
Polydactyly. Also called: polydactylism. Identifiers: MedGen C0152427, MONDO:0021003, OMIM 603596, HP:0010442.
Chronic kidney disease. Identifiers: MedGen C1561643, MONDO:0005300, HP:0012622.
Limb undergrowth. Also called: short extremities; Short limbs. Identifiers: MedGen C0239399, HP:0009826.
Rotary nystagmus. Identifiers: MedGen C0240595, HP:0001583.
Global developmental delay (DD). Also called: Cognitive delay. Identifiers: MedGen C0557874, HP:0001263. Disease mechanism: loss of function.

Submissions (17):

GeneDx
Classification: Pathogenic. Last evaluated: 2026-03-12. Review status: criteria provided, single submitter. Criteria: GeneDx Variant Classification Process June 2021. Collection method: clinical testing. Allele origin: germline.
Comment: Not observed at significant frequency in large population cohorts (gnomAD); In-frame deletion of 1 amino acid(s) in a non-repeat region; In silico analysis supports a deleterious effect on protein structure/function; This variant is associated with the following publications: (PMID: 34426522, 31964843, 31623504, 27570071, 36550190, 24886560)

Variantyx, Inc.
Classification: Likely pathogenic for Autosomal recessive MKS1-related disorders. Last evaluated: 2025-04-21. Review status: criteria provided, single submitter. Criteria: Variantyx Assertion Criteria 2022. Collection method: clinical testing. Allele origin: germline. Inheritance: Autosomal recessive inheritance. Affected: no.
Comment: This is an inframe deletion in the MKS1 gene (OMIM: 609883). Pathogenic variants in this gene have been associated with autosomal recessive MKS1-related disorders. This variant causes an in-frame deletion of a single amino acid at position 372 of the MKS1 protein (PM4_Supporting). It has been identified in the homozygous or compound heterozygous state in at least 5 individuals reported in the published literature (PMID: 26092869, 24886560) and previous internal cases (PM3_Strong). The clinical symptoms reported for this individual are highly specific for autosomal recessive MKS1-related disorders, which has a limited genetic etiology (PP4). The variant has a 0.0023% maximum allele frequency in non-founder control populations (PM2). Based on the current evidence, this variant is classified as likely pathogenic for autosomal recessive MKS1-related disorders.

Natera, Inc.
Classification: Pathogenic for Meckel syndrome type 1. Last evaluated: 2025-04-04. Review status: criteria provided, single submitter. Criteria: Natera Variant Classification Schema (03/2026). Collection method: clinical testing. Allele origin: germline.
Comment: The c.1115_1117delCCT variant in MKS1 is an in-frame deletion predicted to remove serine at amino acid 372 while preserving the reading frame. This variant is rare in the general population with a frequency below the threshold expected for the associated phenotype(s). This variant has been observed in one or more individuals affected with the associated recessive disease, as either homozygous or compound heterozygous with a second variant (PMID: 27570071, 37131188, 26490104, 24886560). Additionally, this variant has been observed to segregate in affected family members (PMID: 26092869, 27570071). This variant results in a change to the protein length while preserving reading frame, which may disrupt normal protein structure or function. Computational prediction algorithms indicate this variant is likely to affect gene or protein function. Given the available evidence, this variant is classified as Pathogenic.

Labcorp Genetics (formerly Invitae), Labcorp
Classification: Pathogenic for Joubert syndrome; Meckel-Gruber syndrome. Last evaluated: 2025-01-12. Review status: criteria provided, single submitter. Criteria: Invitae Variant Classification Sherloc (09022015). Collection method: clinical testing. Allele origin: germline.
Comment: This variant, c.1115_1117del, results in the deletion of 1 amino acid(s) of the MKS1 protein (p.Ser372del), but otherwise preserves the integrity of the reading frame. This variant is present in population databases (rs754279998, gnomAD 0.003%). This variant has been observed in individual(s) with Joubert syndrome (PMID: 24886560, 26092869, 27570071). This variant is also known as c.1085_1088delCCT (p.S362del). ClinVar contains an entry for this variant (Variation ID: 217677). Experimental studies and prediction algorithms are not available or were not evaluated, and the functional significance of this variant is currently unknown. For these reasons, this variant has been classified as Pathogenic.

Blueprint Genetics
Classification: Pathogenic for MKS1-related disorders. Last evaluated: 2024-10-11. Review status: criteria provided, single submitter. Criteria: ACMG Guidelines, 2015. Collection method: clinical testing. Allele origin: germline. Affected: yes. Observed: 5 variant alleles.

3billion
Classification: Likely pathogenic for Meckel syndrome, type 1. Last evaluated: 2024-07-09. Review status: criteria provided, single submitter. Criteria: ACMG Guidelines, 2015. Collection method: clinical testing. Allele origin: germline. Affected: yes.
Comment: The variant is observed at an extremely low frequency in the gnomAD v4.0.0 dataset (total allele frequency: 0.002%). Predicted Consequence/Location: Inframe deletion located in a nonrepeat region: predicted to change the length of the protein and disrupt normal protein function. The variant has been reported at least twice as pathogenic with clinical assertions and evidence for the classification (ClinVar ID: VCV000217677 /PMID: 24886560). Therefore, this variant is classified as Likely pathogenic according to the recommendation of ACMG/AMP guideline.

Fulgent Genetics
Classification: Likely pathogenic for Meckel syndrome, type 1; Bardet-Biedl syndrome 13; Joubert syndrome 28. Last evaluated: 2024-03-08. Review status: criteria provided, single submitter. Criteria: ACMG Guidelines, 2015. Collection method: clinical testing. Allele origin: germline.

Laboratory of Medical Genetics, National & Kapodistrian University of Athens
Classification: Likely pathogenic for Meckel syndrome, type 1. Last evaluated: 2024-02-01. Review status: criteria provided, single submitter. Criteria: ACMG Guidelines, 2015. Collection method: curation. Allele origin: germline. Affected: no.

Baylor Genetics
Classification: Pathogenic for Bardet-Biedl syndrome 13. Last evaluated: 2023-12-27. Review status: criteria provided, single submitter. Criteria: ACMG Guidelines, 2015. Collection method: clinical testing. Allele origin: unknown.

Department of Pathology and Laboratory Medicine, Sinai Health System
Classification: Pathogenic for Meckel syndrome, type 1; Bardet-Biedl syndrome 13; Joubert syndrome 28. Last evaluated: 2022-04-19. Review status: criteria provided, single submitter. Criteria: ACMG Guidelines, 2015. Collection method: research. Allele origin: germline.

Centre for Mendelian Genomics, University Medical Centre Ljubljana
Classification: Pathogenic for Bardet-Biedl syndrome 13. Last evaluated: 2016-01-01. Review status: criteria provided, single submitter. Criteria: ACMG Guidelines, 2015. Collection method: clinical testing. Allele origin: unknown. Affected: yes.
Comment: This variant was classified as: Pathogenic. This variant was detected in homozygous state.

Centre for Mendelian Genomics, University Medical Centre Ljubljana
Classification: Pathogenic for Chronic kidney disease; Global developmental delay; Limb undergrowth; Polydactyly; Rotary nystagmus. Last evaluated: 2015-10-23. Review status: criteria provided, single submitter. Criteria: ACMG Guidelines, 2015. Collection method: clinical testing. Allele origin: unknown. Affected: yes.

UW Hindbrain Malformation Research Program, University of Washington
Classification: Pathogenic for Joubert syndrome. Last evaluated: 2015-02-23. Review status: criteria provided, single submitter. Criteria: Bachmann-Gagescu et al. (J Med Genet. 2015). Collection method: research. Allele origin: unknown. Affected: yes.

Gene Discovery Core-Manton Center, Boston Children's Hospital
Classification: Pathogenic for Joubert syndrome 28. Last evaluated: 2020-02-14. Review status: no assertion criteria provided. Collection method: research. Allele origin: germline. Affected: yes. Not counted in ClinVar's aggregate classification.
Comment: This variant is interpreted as Pathogenic for Joubert syndrome; Autosomal Recessive. PM1- Located in a mutational hot spot and/or critical and well-established functional domain (e.g., active site of an enzyme) without benign variation. PM2- Absent from controls or at extremely low frequency if recessive (0 homozygotes in gnomad). PM4- Protein length changes as a result of in-frame deletions/insertions in a non-repeat region or stop-loss variants. PP3- Multiple lines of computational evidence support a deleterious effect on the gene or gene product (conservation, evolutionary, splicing impact, etc.). PP5: Reputable source recently reports variant as pathogenic, but the evidence is not available to the laboratory to perform an independent evaluation, 6 nonconflicting ClinVar entries, (PMIDs: 24886560, 26092869, 26490104 and 27570071).

Counsyl
Classification: Likely pathogenic for Meckel syndrome, type 1; Bardet-Biedl syndrome 13; Joubert syndrome 28. Last evaluated: 2017-02-03. Review status: no assertion criteria provided. Collection method: clinical testing. Allele origin: unknown. Not counted in ClinVar's aggregate classification.

OMIM
Classification: Pathogenic for JOUBERT SYNDROME 28. Last evaluated: 2016-09-23. Review status: no assertion criteria provided. Collection method: literature only. Allele origin: germline. Not counted in ClinVar's aggregate classification.

GeneReviews
No classification provided. Condition: Joubert syndrome 28. Review status: no classification provided. Collection method: literature only. Allele origin: germline. Not counted in ClinVar's aggregate classification.

Literature cited by the submitters: PubMed 26092869 (cited by 3 submitters); PubMed 24886560 (cited by 6 submitters); PubMed 27570071 (cited by 3 submitters); PubMed 37131188 (cited by Natera, Inc.); PubMed 26490104 (cited by Natera, Inc. and Counsyl); NCBI Bookshelf NBK1325 (cited by GeneReviews); PubMed 20301500 (cited by GeneReviews).

NM_017777.4(MKS1):c.1115_1117del (p.Ser372del)

Gene: MKS1 (MKS transition zone complex subunit 1; minus strand). Cytogenetic location: 17q22.
Variant type: Deletion.
Coding change: c.1115_1117del on transcript NM_017777.4 (MANE Select); coding-DNA positions 1115 to 1117, 3 bases deleted (CCT; older notation c.1115_1117delCCT).
Protein change: p.Ser372del; deletes serine 372.
Molecular consequence: inframe deletion.
Genome position (GRCh38, 1-based): chr17:58,208,153-58,208,155, AGG deleted on the plus strand (CCT on the coding strand, the reverse complement: MKS1 is on the minus strand); deleting any 3 consecutive bases within chr17:58,208,153-58,208,157 gives the same sequence; the c. name uses the placement nearest the transcript's 3' end. VCF-style (leftmost placement, unchanged base first): chr17-58208152-TAGG-T. GRCh37 (hg19) VCF-style: chr17-56285513-TAGG-T.
Other names: c.1115_1117del, p.Ser372del (NM_001321269.2, NM_001330397.2); c.506_508del, p.Ser169del (NM_001321268.2); c.1115_1117delCCT (NM_017777.3); short protein forms S372del, S169del.
Identifiers: ClinVar variation 217677 (VCV000217677.23), dbSNP rs754279998, ClinGen allele CA210292.